The following is an entry in ClinVar:

NM_005379.4(MYO1A):c.49G>C (p.Glu17Gln)

Gene: MYO1A (myosin IA; minus strand). Cytogenetic location: 12q13.3.
Variant type: single nucleotide variant.
Coding change: c.49G>C on transcript NM_005379.4 (MANE Select); coding-DNA position 49, G replaced by C.
Protein change: p.Glu17Gln; replaces glutamic acid 17 with glutamine.
Molecular consequence: missense variant.
Genome position (GRCh38, 1-based): chr12:57,048,275, C>G on the plus strand (G>C on the coding strand, the complement: MYO1A is on the minus strand). VCF-style: chr12-57048275-C-G. GRCh37 (hg19) VCF-style: chr12-57442059-C-G.
Other names: c.49G>C, p.Glu17Gln (NM_001256041.2); short protein forms E17Q.
Identifiers: ClinVar variation 45312 (VCV000045312.7), dbSNP rs141658242, ClinGen allele CA136012.

ClinVar aggregate classification (germline): Benign/Likely benign. Review status: criteria provided, multiple submitters, no conflicts (2 of 4 stars). 2 submissions from 2 submitters: Benign (1); Likely benign (1). Last evaluated 2018-07-10.

Allele frequency attached by ClinVar (database versions not stated): gnomAD exomes 0.00032 and 0.00074; ExAC 0.00096; 1000 Genomes Project 0.00280; 1000 Genomes Project 30x 0.00281; gnomAD 0.00312 and 0.00339; TOPMed 0.00367; ESP Exome Variant Server 0.00400.
gnomAD v4.1: 966 of 1,614,164 alleles (0.06%); highest among the groups gnomAD compares: African/African-American, 1.1%; 5 homozygotes.

Submissions (2):

GeneDx
Classification: Likely benign. Last evaluated: 2018-07-10. Review status: criteria provided, single submitter. Criteria: GeneDx Variant Classification Process June 2021. Collection method: clinical testing. Allele origin: germline. Affected: yes.

Laboratory for Molecular Medicine, Mass General Brigham Personalized Medicine
Classification: Benign. Last evaluated: 2012-04-30. Review status: criteria provided, single submitter. Criteria: LMM Criteria. Collection method: clinical testing. Allele origin: germline. Observed: 2 variant alleles.
Comment: Glu17Gln in Exon 02 of MYO1A: This variant is not expected to have clinical sign ificance because it has been identified in 1.3% (48/3738) of African American ch romosomes from a broad population by the NHLBI Exome Sequencing Project (dbSNP rs141658242).